The following is an entry in ClinVar:

NM_014844.5(TECPR2):c.3396del (p.Thr1133fs)

Gene: TECPR2 (tectonin beta-propeller repeat containing 2; plus strand). Cytogenetic location: 14q32.31.
Variant type: Deletion.
Coding change: c.3396del on transcript NM_014844.5 (MANE Select); coding-DNA position 3396, one base deleted (C; older notation c.3396delC).
Protein change: p.Thr1133fs; shifts the reading frame from threonine 1133.
Molecular consequence: frameshift variant.
Genome position (GRCh38, 1-based): chr14:102,450,639, C deleted; the last of 3 consecutive C bases (chr14:102,450,637-102,450,639); deleting any one gives the same sequence. VCF-style (leftmost placement, unchanged base first): chr14-102450636-TC-T. GRCh37 (hg19) VCF-style: chr14-102916973-TC-T.
Other names: c.3396del, p.Thr1133fs (NM_001172631.3); short protein forms T1133fs.
Identifiers: ClinVar variation 1360096 (VCV001360096.6), dbSNP rs2139752512, ClinGen allele CA2573150422.
Genomic context (GRCh38, chr14:102,450,636, plus strand): 5'-TGTGGTTCCCCGTGGGACAGCTTCTGCTACAAAATGGGCCTTTGTGTTGGCTTCTGCAGC[TC>T]CCACGAAGGAAGGTGGGTCAGTCTTAGCCTCACTGAAGAATCTAGAGCACAGCTTGGCCA-3'

ClinVar aggregate classification (germline): Pathogenic (1 of 4 stars; one submission).

Conditions:
Hereditary spastic paraplegia 49 (HSAN9). Also called: Spastic paraplegia 49, autosomal recessive; TECPR2-Related Hereditary Sensory and Autonomic Neuropathy with Intellectual Disability; NEUROPATHY, HEREDITARY SENSORY AND AUTONOMIC, TYPE IX, WITH DEVELOPMENTAL DELAY. Identifiers: Orphanet 320385, MedGen C5190860, MONDO:0014016, OMIM 615031.

Submission:

Labcorp Genetics (formerly Invitae), Labcorp
Classification: Pathogenic for Hereditary spastic paraplegia 49. Last evaluated: 2021-06-19. Review status: criteria provided, single submitter. Criteria: Invitae Variant Classification Sherloc (09022015). Collection method: clinical testing. Allele origin: germline.
Comment: This variant has not been reported in the literature in individuals with TECPR2-related conditions. For these reasons, this variant has been classified as Pathogenic. This variant is not present in population databases (ExAC no frequency). This sequence change creates a premature translational stop signal (p.Thr1133Argfs*81) in the TECPR2 gene. It is expected to result in an absent or disrupted protein product. Loss-of-function variants in TECPR2 are known to be pathogenic (PMID: 23176824, 25590979).

Literature cited by the submitters: PubMed 23176824; PubMed 25590979.